The following is an entry in ClinVar:

NM_004260.4(RECQL4):c.2375C>T (p.Pro792Leu)

Gene: RECQL4 (RecQ like helicase 4; minus strand). Cytogenetic location: 8q24.3.
Variant type: single nucleotide variant.
Coding change: c.2375C>T on transcript NM_004260.4 (MANE Select); coding-DNA position 2375, C replaced by T.
Protein change: p.Pro792Leu; replaces proline 792 with leucine.
Molecular consequence: missense variant.
Genome position (GRCh38, 1-based): chr8:144,513,306, G>A on the plus strand (C>T on the coding strand, the complement: RECQL4 is on the minus strand). VCF-style: chr8-144513306-G-A. GRCh37 (hg19) VCF-style: chr8-145738689-G-A.
Other names: short protein forms P792L.
Identifiers: ClinVar variation 848321 (VCV000848321.6), dbSNP rs1471609431, ClinGen allele CA372678258.

ClinVar aggregate classification (germline): Uncertain significance (1 of 4 stars; one submission).

Conditions:
Baller-Gerold syndrome (BGS). Also called: CRANIOSYNOSTOSIS WITH RADIAL DEFECTS. Identifiers: Orphanet 1225, MedGen C0265308, MONDO:0009039, OMIM 218600.

Allele frequency attached by ClinVar (database versions not stated): gnomAD exomes below 0.00001 and 0.00001; gnomAD 0.00001.
gnomAD v4.1: 13 of 1,600,922 alleles (0.00081%); highest among the groups gnomAD compares: Admixed American, 0.0017%; no homozygotes.

Submission:

Labcorp Genetics (formerly Invitae), Labcorp
Classification: Uncertain significance for Baller-Gerold syndrome. Last evaluated: 2025-11-27. Review status: criteria provided, single submitter. Criteria: Invitae Variant Classification Sherloc (09022015). Collection method: clinical testing. Allele origin: germline.
Comment: This sequence change replaces proline, which is neutral and non-polar, with leucine, which is neutral and non-polar, at codon 792 of the RECQL4 protein (p.Pro792Leu). The frequency data for this variant in the population databases is considered unreliable, as metrics indicate poor data quality at this position in the gnomAD database. This variant has not been reported in the literature in individuals affected with RECQL4-related conditions. ClinVar contains an entry for this variant (Variation ID: 848321). Invitae Evidence Modeling of protein sequence and biophysical properties (such as structural, functional, and spatial information, amino acid conservation, physicochemical variation, residue mobility, and thermodynamic stability) indicates that this missense variant is expected to disrupt RECQL4 protein function with a positive predictive value of 80%. In summary, the available evidence is currently insufficient to determine the role of this variant in disease. Therefore, it has been classified as a Variant of Uncertain Significance.